The following is an entry in ClinVar:

NM_006947.4(SRP72):c.25G>C (p.Val9Leu)

Genes: SRP72 (signal recognition particle 72; plus strand), LOC129992625 (ATAC-STARR-seq lymphoblastoid active region 21580; plus strand). Cytogenetic location: 4q12.
Variant type: single nucleotide variant.
Coding change: c.25G>C on transcript NM_006947.4 (MANE Select); coding-DNA position 25, G replaced by C.
Protein change: p.Val9Leu; replaces valine 9 with leucine.
Molecular consequence: missense variant. On other transcripts: non-coding transcript variant (1).
Genome position (GRCh38, 1-based): chr4:56,467,660, G>C. VCF-style: chr4-56467660-G-C. GRCh37 (hg19) VCF-style: chr4-57333826-G-C.
Other names: c.25G>C (NM_006947.3); c.25G>C, p.Val9Leu (NM_001267722.2); short protein forms V9L.
Identifiers: ClinVar variation 2061158 (VCV002061158.6), dbSNP rs571949209, ClinGen allele CA2930931.

ClinVar aggregate classification (germline): Uncertain significance. Review status: criteria provided, multiple submitters, no conflicts (2 of 4 stars). 2 submissions from 2 submitters: Uncertain significance (2). Last evaluated 2025-09-14.

gnomAD v4.1: 71 of 1,560,092 alleles (0.0046%); highest among the groups gnomAD compares: Non-Finnish European, 0.0058%; no homozygotes.

Submissions (2):

Labcorp Genetics (formerly Invitae), Labcorp
Classification: Uncertain significance. Last evaluated: 2025-09-14. Review status: criteria provided, single submitter. Criteria: Invitae Variant Classification Sherloc (09022015). Collection method: clinical testing. Allele origin: germline.
Comment: This sequence change replaces valine, which is neutral and non-polar, with leucine, which is neutral and non-polar, at codon 9 of the SRP72 protein (p.Val9Leu). This variant is present in population databases (rs571949209, gnomAD 0.005%). This variant has not been reported in the literature in individuals affected with SRP72-related conditions. ClinVar contains an entry for this variant (Variation ID: 2061158). An algorithm developed to predict the effect of missense changes on protein structure and function (PolyPhen-2) suggests that this variant is likely to be tolerated. In summary, the available evidence is currently insufficient to determine the role of this variant in disease. Therefore, it has been classified as a Variant of Uncertain Significance.

GeneDx
Classification: Uncertain significance. Last evaluated: 2025-05-05. Review status: criteria provided, single submitter. Criteria: GeneDx Variant Classification Process June 2021. Collection method: clinical testing. Allele origin: germline.
Comment: Not observed at significant frequency in large population cohorts (gnomAD); In silico analysis indicates that this missense variant does not alter protein structure/function; Has not been previously published as pathogenic or benign to our knowledge; This variant is associated with the following publications: (PMID: 28369529)